The following is an entry in ClinVar:

NM_030777.4(SLC2A10):c.296C>T (p.Ala99Val)

Gene: SLC2A10 (solute carrier family 2 member 10; plus strand). Cytogenetic location: 20q13.12.
Variant type: single nucleotide variant.
Coding change: c.296C>T on transcript NM_030777.4 (MANE Select); coding-DNA position 296, C replaced by T.
Protein change: p.Ala99Val; replaces alanine 99 with valine.
Molecular consequence: missense variant.
Genome position (GRCh38, 1-based): chr20:46,725,332, C>T. VCF-style: chr20-46725332-C-T. GRCh37 (hg19) VCF-style: chr20-45353971-C-T.
Other names: short protein forms A99V.
Identifiers: ClinVar variation 1956792 (VCV001956792.2), dbSNP rs1163995599, ClinGen allele CA409266734.
Genomic context (GRCh38, chr20:46,725,332, plus strand): 5'-TCGGGAGCAACTTGGTGCTGCTGGCAGGCAGCCTGACCCTGGGCCTGGCTGGTTCCCTGG[C>T]CTGGCTGGTCCTGGGCCGCGCTGTGGTTGGCTTCGCCATTTCCCTCTCCTCCATGGCTTG-3'
Protein context (NP_110404.1, residues 89-109): SLTLGLAGSL[Ala99Val]WLVLGRAVVG

ClinVar aggregate classification (germline): Uncertain significance (1 of 4 stars; one submission).

Conditions:
Arterial tortuosity syndrome (ATORS). Identifiers: Orphanet 3342, MedGen C1859726, MONDO:0008818, OMIM 208050.

gnomAD v4.1: 1 of 1,614,114 alleles (0.000062%); no homozygotes.

Submission:

Labcorp Genetics (formerly Invitae), Labcorp
Classification: Uncertain significance for Arterial tortuosity syndrome. Last evaluated: 2022-07-23. Review status: criteria provided, single submitter. Criteria: Invitae Variant Classification Sherloc (09022015). Collection method: clinical testing. Allele origin: germline.
Comment: This sequence change replaces alanine, which is neutral and non-polar, with valine, which is neutral and non-polar, at codon 99 of the SLC2A10 protein (p.Ala99Val). This variant is not present in population databases (gnomAD no frequency). This variant has not been reported in the literature in individuals affected with SLC2A10-related conditions. Advanced modeling of protein sequence and biophysical properties (such as structural, functional, and spatial information, amino acid conservation, physicochemical variation, residue mobility, and thermodynamic stability) performed at Invitae indicates that this missense variant is not expected to disrupt SLC2A10 protein function. In summary, the available evidence is currently insufficient to determine the role of this variant in disease. Therefore, it has been classified as a Variant of Uncertain Significance.